The following is an entry in ClinVar:

ClinVar aggregate classification (germline): Likely benign (1 of 4 stars; one submission).

Allele frequency attached by ClinVar (database versions not stated): gnomAD 0.00002 and 0.00003; TOPMed 0.00002.

Submission:

GeneDx
Classification: Likely benign. Last evaluated: 2016-06-21. Review status: criteria provided, single submitter. Criteria: GeneDx Variant Classification (06012015). Collection method: clinical testing. Allele origin: germline. Affected: yes.
Comment: This variant is considered likely benign or benign based on one or more of the following criteria: it is a conservative change, it occurs at a poorly conserved position in the protein, it is predicted to be benign by multiple in silico algorithms, and/or has population frequency not consistent with disease.

NM_001191061.2(SLC25A22):c.-163-878T>C

Gene: SLC25A22 (solute carrier family 25 member 22; minus strand). Cytogenetic location: 11p15.5.
Variant type: single nucleotide variant.
Coding change: c.-163-878T>C on transcript NM_001191061.2 (MANE Select); 878 bases into the intron before 163 bases upstream of the start codon, T replaced by C.
Molecular consequence: intron variant. On other transcripts: 5 prime UTR variant (1).
Genome position (GRCh38, 1-based): chr11:796,047, A>G on the plus strand (T>C on the coding strand, the complement: SLC25A22 is on the minus strand). VCF-style: chr11-796047-A-G. GRCh37 (hg19) VCF-style: chr11-796047-A-G.
Other names: c.-168T>C (NM_024698.6); c.-163-878T>C (NM_001191060.2).
Identifiers: ClinVar variation 386956 (VCV000386956.1), dbSNP rs1057522653, ClinGen allele CA16606040.